The following is an entry in ClinVar:

ClinVar aggregate classification (germline): Conflicting classifications of pathogenicity. Review status: criteria provided, conflicting classifications (1 of 4 stars). 7 submissions from 7 submitters: Uncertain significance (6); Likely benign (1). Last evaluated 2025-10-07.

Conditions:
Hereditary cancer-predisposing syndrome. Also called: Neoplastic Syndromes, Hereditary; Hereditary neoplastic syndrome; Tumor predisposition; Hereditary Cancer Syndrome. Identifiers: Orphanet 140162, MedGen C0027672, MeSH D009386, MONDO:0015356.
Hereditary breast ovarian cancer syndrome. Also called: BRCA1- and BRCA2-Associated Hereditary Breast and Ovarian Cancer; Hereditary breast and ovarian cancer syndrome; Hereditary breast and ovarian cancer syndrome (HBOC); Hereditary breast and ovarian cancer; Breast and ovarian cancer; Hereditary breast and/or ovarian cancer syndrome. Identifiers: Orphanet 145, MedGen C0677776, MeSH D061325, MONDO:0003582. Disease mechanism: loss of function.
Fanconi anemia complementation group O. Also called: RAD51C-Related Fanconi Anemia. Identifiers: Orphanet 84, MedGen C3150653, MONDO:0013248, OMIM 613390.

Allele frequency attached by ClinVar (database versions not stated): gnomAD exomes below 0.00001.
gnomAD v4.1: 6 of 1,614,234 alleles (0.00037%); highest among the groups gnomAD compares: Non-Finnish European, 0.00051%; no homozygotes.

Submissions (7):

Labcorp Genetics (formerly Invitae), Labcorp
Classification: Uncertain significance for Fanconi anemia complementation group O. Last evaluated: 2025-10-07. Review status: criteria provided, single submitter. Criteria: Invitae Variant Classification Sherloc (09022015). Collection method: clinical testing. Allele origin: germline.
Comment: This sequence change replaces glutamine, which is neutral and polar, with arginine, which is basic and polar, at codon 11 of the RAD51C protein (p.Gln11Arg). This variant is present in population databases (rs730881937, gnomAD 0.0009%). This missense change has been observed in individual(s) with breast cancer and/or ovarian cancer (PMID: 26261251, 35264596, 36099300). ClinVar contains an entry for this variant (Variation ID: 182842). An algorithm developed to predict the effect of missense changes on protein structure and function (PolyPhen-2) suggests that this variant is likely to be disruptive. Experimental studies have shown that this missense change does not substantially affect RAD51C function (PMID: 36099300, 37253112). In summary, the available evidence is currently insufficient to determine the role of this variant in disease. Therefore, it has been classified as a Variant of Uncertain Significance.

Dasa
Classification: Uncertain significance. Last evaluated: 2025-03-11. Review status: criteria provided, single submitter. Criteria: DASA Assertion Criteria. Collection method: clinical testing. Allele origin: germline.
Comment: NM_058216.3(RAD51C):c.32A>G (p.Gln11Arg) is a missense variant that results in the substitution of glutamine with arginine. This variant is rare in population databases. Computational prediction algorithms are consistent with a benign effect. The currently available literature and clinical evidence are not sufficient to establish a definitive association between this variant and the reported condition. Therefore, this variant is classified as a variant of uncertain significance.

Ambry Genetics
Classification: Likely benign for Hereditary cancer-predisposing syndrome. Last evaluated: 2023-05-20. Review status: criteria provided, single submitter. Criteria: Ambry Variant Classification Scheme 2023. Collection method: clinical testing. Allele origin: germline.

Color Diagnostics, LLC DBA Color Health
Classification: Uncertain significance for Hereditary cancer-predisposing syndrome. Last evaluated: 2019-02-26. Review status: criteria provided, single submitter. Criteria: ACMG Guidelines, 2015. Collection method: clinical testing. Allele origin: germline.

Mendelics
Classification: Uncertain significance for Hereditary breast and ovarian cancer syndrome. Last evaluated: 2018-07-02. Review status: criteria provided, single submitter. Criteria: Mendelics Assertion Criteria 2017. Collection method: clinical testing. Allele origin: unknown.

Women's Health and Genetics/Laboratory Corporation of America, LabCorp
Classification: Uncertain significance. Last evaluated: 2016-04-18. Review status: criteria provided, single submitter. Criteria: LabCorp Variant Classification Summary - May 2015. Collection method: clinical testing. Allele origin: germline.
Comment: Variant summary: The c.32A>G variant affects a conserved nucleotide, resulting in amino acid change from Gln to Arg. 2/3 in-silico tools predict this variant to be damaging (SNPs&GO not captured due to low reliability index). 3/5 programs in Alamut predict that this variant results in the loss of a splice acceptor site. However, these predictions are not confirmed by experimental studies. This variant is not found in 126728 control chromosomes. In addition, a reputable clinical lab has classified this variant as VUS. Because of the absence of clinical information and the lack of functional studies, the variant was classified as a variant of uncertain significance (VUS) until additional information becomes available.

GeneDx
Classification: Uncertain significance. Last evaluated: 2014-08-14. Review status: criteria provided, single submitter. Criteria: GeneDx Variant Classification (06012015). Collection method: clinical testing. Allele origin: germline. Affected: yes.
Comment: This variant is denoted RAD51C c.32A>G at the cDNA level, p.Gln11Arg (Q11R) at the protein level, and results in the change of a Glutamine to an Arginine (CAG>CGG). This variant has not, to our knowledge, been published in the literature as pathogenic or benign. RAD51C Gln11Arg was not observed in approximately 6,500 individuals of European and African American ancestry in the NHLBI Exome Sequencing Project, indicating it is not a common benign variant in these populations. Since Glutamine and Arginine differ in some properties, this is considered a semi-conservative amino acid substitution. RAD51C Gln11Arg occurs at a position that is highly conserved across species and is located in a region required for Holliday junction resolution activity (UniProt). In silico analyses are inconsistent regarding the effect this variant may have on protein structure and function. Based on currently available information, it is unclear whether RAD51C Gln11Arg is pathogenic or benign. We consider it to be a variant of uncertain significance.

Literature cited by the submitters: PubMed 26261251 (cited by 3 submitters); PubMed 35264596 (cited by Labcorp Genetics (formerly Invitae), Labcorp); PubMed 36099300 (cited by Labcorp Genetics (formerly Invitae), Labcorp); PubMed 37253112 (cited by Labcorp Genetics (formerly Invitae), Labcorp).

NM_058216.3(RAD51C):c.32A>G (p.Gln11Arg)

Gene: RAD51C (RAD51 paralog C; plus strand). Cytogenetic location: 17q22.
Variant type: single nucleotide variant.
Coding change: c.32A>G on transcript NM_058216.3 (MANE Select); coding-DNA position 32, A replaced by G.
Protein change: p.Gln11Arg; replaces glutamine 11 with arginine.
Molecular consequence: missense variant. On other transcripts: non-coding transcript variant (2).
Genome position (GRCh38, 1-based): chr17:58,692,675, A>G. VCF-style: chr17-58692675-A-G. GRCh37 (hg19) VCF-style: chr17-56770036-A-G.
Other names: p.Q11R:CAG>CGG; c.32A>G, p.Gln11Arg (NM_002876.4); short protein forms Q11R.
Identifiers: ClinVar variation 182842 (VCV000182842.20), dbSNP rs730881937, ClinGen allele CA299901.